The following is an entry in ClinVar:

ClinVar aggregate classification (germline): Uncertain significance. Review status: criteria provided, multiple submitters, no conflicts (2 of 4 stars). 3 submissions from 3 submitters: Uncertain significance (3). Last evaluated 2022-10-13.

Conditions:
Inborn genetic diseases. Identifiers: MedGen C0950123, MeSH D030342.
Peroxisome biogenesis disorder 5A (Zellweger) (PBD5A). Identifiers: Orphanet 912, MedGen C3553940, MONDO:0013932, OMIM 614866.
Peroxisome biogenesis disorder 5B (PBD5B). Identifiers: Orphanet 44, MedGen C3542026, MONDO:0013933, OMIM 614867.

Allele frequency attached by ClinVar (database versions not stated): gnomAD 0.00001; gnomAD exomes 0.00001 and 0.00004; TOPMed 0.00003.
gnomAD v4.1: 59 of 1,613,952 alleles (0.0037%); highest among the groups gnomAD compares: Non-Finnish European, 0.005%; no homozygotes.

Submissions (3):

Labcorp Genetics (formerly Invitae), Labcorp
Classification: Uncertain significance for Peroxisome biogenesis disorder 5A (Zellweger). Last evaluated: 2022-10-13. Review status: criteria provided, single submitter. Criteria: Invitae Variant Classification Sherloc (09022015). Collection method: clinical testing. Allele origin: germline.
Comment: This sequence change replaces glycine, which is neutral and non-polar, with glutamic acid, which is acidic and polar, at codon 161 of the PEX2 protein (p.Gly161Glu). This variant is present in population databases (rs761177481, gnomAD 0.002%). This variant has not been reported in the literature in individuals affected with PEX2-related conditions. ClinVar contains an entry for this variant (Variation ID: 1494640). Advanced modeling of protein sequence and biophysical properties (such as structural, functional, and spatial information, amino acid conservation, physicochemical variation, residue mobility, and thermodynamic stability) performed at Invitae indicates that this missense variant is expected to disrupt PEX2 protein function. In summary, the available evidence is currently insufficient to determine the role of this variant in disease. Therefore, it has been classified as a Variant of Uncertain Significance.

Fulgent Genetics
Classification: Uncertain significance for Peroxisome biogenesis disorder 5A (Zellweger); Peroxisome biogenesis disorder 5B. Last evaluated: 2022-01-18. Review status: criteria provided, single submitter. Criteria: ACMG Guidelines, 2015. Collection method: clinical testing. Allele origin: unknown.

Ambry Genetics
Classification: Uncertain significance for Inborn genetic diseases. Last evaluated: 2021-09-15. Review status: criteria provided, single submitter. Criteria: Ambry Variant Classification Scheme 2023. Collection method: clinical testing. Allele origin: germline.

NM_000318.3(PEX2):c.482G>A (p.Gly161Glu)

Gene: PEX2 (peroxisomal biogenesis factor 2; minus strand). Cytogenetic location: 8q21.13.
Variant type: single nucleotide variant.
Coding change: c.482G>A on transcript NM_000318.3 (MANE Select); coding-DNA position 482, G replaced by A.
Protein change: p.Gly161Glu; replaces glycine 161 with glutamic acid.
Molecular consequence: missense variant.
Genome position (GRCh38, 1-based): chr8:76,983,697, C>T on the plus strand (G>A on the coding strand, the complement: PEX2 is on the minus strand). VCF-style: chr8-76983697-C-T. GRCh37 (hg19) VCF-style: chr8-77895933-C-T.
Other names: c.482G>A, p.Gly161Glu (NM_001079867.2, NM_001172086.2, NM_001172087.2); c.482G>A (NM_000318.2); short protein forms G161E.
Identifiers: ClinVar variation 1494640 (VCV001494640.5), dbSNP rs761177481, ClinGen allele CA179988269.